The following is an entry in ClinVar:

NM_000059.4(BRCA2):c.1188T>G (p.Ser396=)

Gene: BRCA2 (BRCA2 DNA repair associated; plus strand). Cytogenetic location: 13q13.1.
Variant type: single nucleotide variant.
Coding change: c.1188T>G on transcript NM_000059.4 (MANE Select); coding-DNA position 1188, T replaced by G.
Protein change: p.Ser396=; no amino-acid change (serine 396 retained).
Molecular consequence: synonymous variant.
Genome position (GRCh38, 1-based): chr13:32,332,666, T>G. VCF-style: chr13-32332666-T-G. GRCh37 (hg19) VCF-style: chr13-32906803-T-G.
Other names: S396S.
Identifiers: ClinVar variation 51079 (VCV000051079.3), dbSNP rs80359781, ClinGen allele CA011088.

ClinVar aggregate classification (germline): Likely benign. Review status: reviewed by expert panel (3 of 4 stars). 2 submissions from 2 submitters: Likely benign (1). 1 of the submissions does not count toward it. Last evaluated 2017-06-29.

Conditions:
Breast-ovarian cancer, familial, susceptibility to, 2 (BROVCA2). Also called: BRCA2 Hereditary Breast and Ovarian Cancer. Identifiers: Orphanet 145, MedGen C2675520, MONDO:0012933, OMIM 612555. Disease mechanism: loss of function.

Submissions (2):

Evidence-based Network for the Interpretation of Germline Mutant Alleles (ENIGMA)
Classification: Likely benign for Breast-ovarian cancer, familial, susceptibility to, 2. Last evaluated: 2017-06-29. Review status: reviewed by expert panel. Criteria: ENIGMA BRCA1/2 Classification Criteria (2017-06-29). Collection method: curation. Allele origin: germline.
Comment: Synonymous substitution variant, with low bioinformatic likelihood to result in a splicing aberration (Splicing prior probability 0.02).

Breast Cancer Information Core (BIC) (BRCA2)
Classification: Uncertain significance for Breast-ovarian cancer, familial 2. Last evaluated: 1999-12-30. Review status: no assertion criteria provided. Collection method: clinical testing. Allele origin: germline. Affected: yes. Observed: 1 variant allele. Not counted in ClinVar's aggregate classification.